The following is an entry in ClinVar:

NM_000051.4(ATM):c.8814_8824del (p.Met2938fs)

Genes: ATM (ATM serine/threonine kinase; plus strand), C11orf65 (chromosome 11 open reading frame 65; minus strand). Cytogenetic location: 11q22.3.
Variant type: Deletion.
Coding change: c.8814_8824del on transcript NM_000051.4 (MANE Select); coding-DNA positions 8814 to 8824, 11 bases deleted (GAGAAACTCTC).
Protein change: p.Met2938fs; shifts the reading frame from methionine 2938.
Molecular consequence: frameshift variant. On other transcripts: intron variant (2).
Genome position (GRCh38, 1-based): chr11:108,354,838-108,354,848, GAGAAACTCTC deleted. VCF-style (leftmost placement, unchanged base first): chr11-108354837-TGAGAAACTCTC-T. GRCh37 (hg19) VCF-style: chr11-108225564-TGAGAAACTCTC-T.
Other names: c.8814_8824del (NM_000051.3); c.8814_8824del, p.Met2938fs (NM_001351834.2); c.640+31072_640+31082del (NM_001330368.2); c.695-19556_695-19546del (NM_001351110.2); short protein forms M2938fs.
Identifiers: ClinVar variation 370841 (VCV000370841.29), dbSNP rs758814126, ClinGen allele CA6266459.

ClinVar aggregate classification (germline): Pathogenic. Review status: criteria provided, multiple submitters, no conflicts (2 of 4 stars). 10 submissions from 10 submitters: Pathogenic (9). 1 of the submissions does not count toward it. Last evaluated 2025-10-30.

Conditions:
Hereditary cancer-predisposing syndrome. Also called: Neoplastic Syndromes, Hereditary; Hereditary neoplastic syndrome; Hereditary Cancer Syndrome; Tumor predisposition. Identifiers: Orphanet 140162, MedGen C0027672, MeSH D009386, MONDO:0015356.
Familial cancer of breast. Also called: hereditary breast carcinoma; Hereditary breast cancer; BREAST CANCER, FAMILIAL. Identifiers: Orphanet 227535, MedGen C0346153, MONDO:0016419, OMIM 114480. Disease mechanism: loss of function.
Ataxia-telangiectasia syndrome (AT). Also called: Ataxia-telangiectasia, complementation group D; Ataxia-telangiectasia, complementation group E; LOUIS-BAR SYNDROME; AT, COMPLEMENTATION GROUP C; ATAXIA-TELANGIECTASIA, COMPLEMENTATION GROUP A; ATAXIA-TELANGIECTASIA, FRESNO VARIANT. Identifiers: Orphanet 100, MedGen C0004135, MONDO:0008840, OMIM 208900.
ATM-related cancer predisposition. Also called: ATM-related cancer susceptibility. Identifiers: MedGen CN377759, MONDO:0700270.
Inherited prostate cancer.

Allele frequency attached by ClinVar (database versions not stated): ExAC 0.00002; 1000 Genomes Project 30x 0.00016; gnomAD 0.00001; gnomAD exomes 0.00001 and below 0.00001.

Submissions (10):

Labcorp Genetics (formerly Invitae), Labcorp
Classification: Pathogenic for Ataxia-telangiectasia syndrome. Last evaluated: 2025-10-30. Review status: criteria provided, single submitter. Criteria: Invitae Variant Classification Sherloc (09022015). Collection method: clinical testing. Allele origin: germline.
Comment: This sequence change creates a premature translational stop signal (p.Met2938Ilefs*14) in the ATM gene. It is expected to result in an absent or disrupted protein product. Loss-of-function variants in ATM are known to be pathogenic (PMID: 23807571, 25614872). This variant is present in population databases (rs758814126, gnomAD 0.007%). This premature translational stop signal has been observed in individual(s) with ataxia-telangiectasia (PMID: 9497252, 9887333, 17910737, 23454770). This variant is also known as 8814del11. ClinVar contains an entry for this variant (Variation ID: 370841). Studies have shown that this premature translational stop signal is associated with inconclusive levels of altered splicing (internal data). For these reasons, this variant has been classified as Pathogenic.

Genetics Laboratory, Great Ormond Street Hospital NHS Foundation Trust, North Thames Genomic Laboratory Hub
Classification: Pathogenic for Inherited prostate cancer. Last evaluated: 2025-08-14. Review status: criteria provided, single submitter. Criteria: CanVIG ATM Gene Specific V1.2. Collection method: clinical testing. Allele origin: germline. Affected: yes.
Comment: PVS1_very-strong, PM5_supporting, PM3_supporting

Dasa
Classification: Pathogenic for ATM-related cancer predisposition. Last evaluated: 2025-06-13. Review status: criteria provided, single submitter. Criteria: DASA Assertion Criteria. Collection method: clinical testing. Allele origin: germline.
Comment: NM_000051.4(ATM):c.8814_8824del (p.Met2938Ilefs*14) is a frameshift variant in ATM predicted to alter the reading frame and introduce a premature termination codon and is predicted to result in an absent or altered protein product. Loss of function is an established disease mechanism for ATM (PMID: 3574400; PMID: 27595995; PMID: 15928302). The affected residue or protein region has prior evidence supporting clinical relevance. This variant has been recurrently observed in individuals with ATM-related cancer predisposition (PMID: 23454770; PMID: 9497252). Also, this variant is rare in population databases. Based on the currently available evidence, this variant is classified as pathogenic.

Myriad Genetics, Inc.
Classification: Pathogenic for Familial cancer of breast. Last evaluated: 2024-02-05. Review status: criteria provided, single submitter. Criteria: Myriad Autosomal Dominant, Autosomal Recessive and X-Linked Classification Criteria (2023). Collection method: clinical testing. Allele origin: unknown.
Comment: This variant is considered pathogenic. This variant creates a frameshift predicted to result in premature protein truncation.

Baylor Genetics
Classification: Pathogenic for Familial cancer of breast. Last evaluated: 2023-03-02. Review status: criteria provided, single submitter. Criteria: ACMG Guidelines, 2015. Collection method: clinical testing. Allele origin: unknown.

Ambry Genetics
Classification: Pathogenic for Hereditary cancer-predisposing syndrome. Last evaluated: 2022-09-14. Review status: criteria provided, single submitter. Criteria: Ambry Variant Classification Scheme 2023. Collection method: clinical testing. Allele origin: germline.
Comment: The c.8814_8824del11 pathogenic mutation, located in coding exon 60 of the ATM gene, results from a deletion of 11 nucleotides at positions 8814 to 8824, causing a translational frameshift with a predicted alternate stop codon (p.M2938Ifs*14). This alteration has been detected in the compound heterozygous state in individuals diagnosed with ataxia telangiectasia (AT) (Gilad S et al. Am. J. Hum. Genet. 1998 Mar;62:551-61; Cavalieri S et al. Ann. Hum. Genet. 2008 Jan;72:10-8). In addition to the clinical data presented in the literature, this alteration is expected to result in loss of function by premature protein truncation or nonsense-mediated mRNA decay. As such, this alteration is interpreted as a disease-causing mutation.

Women's Health and Genetics/Laboratory Corporation of America, LabCorp
Classification: Pathogenic for Ataxia-telangiectasia syndrome. Last evaluated: 2020-07-12. Review status: criteria provided, single submitter. Criteria: LabCorp Variant Classification Summary - May 2015. Collection method: clinical testing. Allele origin: germline.
Comment: Variant summary: ATM c.8814_8824del11 (p.Met2938IlefsX14) results in a premature termination codon, predicted to cause a truncation of the encoded protein or absence of the protein due to nonsense mediated decay, which are commonly known mechanisms for disease. Truncations downstream of this position have been classified as pathogenic by our laboratory. The variant allele was found at a frequency of 8e-06 in 251404 control chromosomes. c.8814_8824del11 has been reported in the literature in individuals affected with Ataxia-Telangiectasia (e.g. Gilad_1998, Sandoval_1999, Cavalieri_2008). These data indicate that the variant may be associated with disease. Several publications report experimental evidence evaluating ATM protein function in patient cells with this mutation in compound heterozygosity with a second pathogenic mutation. These studies report reduced ATM protein levels and reduced ATM-dependent activities in patient-derived cell lines, however the contributions of the individual variants to the observed phenotypes were not studied (e.g. Gilad_1998, Delia_2000, Prodosmo_2013). Five other clinical diagnostic laboratories have submitted clinical-significance assessments for this variant to ClinVar after 2014 without evidence for independent evaluation. All laboratories cited the variant as pathogenic/likely pathogenic. Based on the evidence outlined above, the variant was classified as pathogenic.

Color Diagnostics, LLC DBA Color Health
Classification: Pathogenic for Hereditary cancer-predisposing syndrome. Last evaluated: 2020-02-19. Review status: criteria provided, single submitter. Criteria: ACMG Guidelines, 2015. Collection method: clinical testing. Allele origin: germline.
Comment: This variant deletes 11 nucleotides in exon 61 of the ATM gene, creating a frameshift and premature translation stop signal. This variant is expected to result in an absent or non-functional protein product. This variant (also known as 8814del11 in the literature) has been reported in individuals affected with ataxia-telangiectasia (PMID: 9887333, 10864201, 17910737, 23454770). This variant has also been identified in 2/251404 chromosomes in the general population by the Genome Aggregation Database (gnomAD). Loss of ATM function is a known mechanism of disease. Based on the available evidence, this variant is classified as Pathogenic.

GeneDx
Classification: Pathogenic. Last evaluated: 2019-06-24. Review status: criteria provided, single submitter. Criteria: GeneDx Variant Classification Process June 2021. Collection method: clinical testing. Allele origin: germline. Affected: yes.
Comment: Frameshift variant predicted to result in protein truncation or nonsense mediated decay in a gene for which loss-of-function is a known mechanism of disease; Not observed at a significant frequency in large population cohorts (Lek 2016); This variant is associated with the following publications: (PMID: 9450906, 9497252, 9887333, 23454770, 10864201, 17910737, 29625052)

Counsyl
Classification: Likely pathogenic for Ataxia-telangiectasia syndrome. Last evaluated: 2016-04-28. Review status: no assertion criteria provided. Collection method: clinical testing. Allele origin: unknown. Not counted in ClinVar's aggregate classification.

Literature cited by the submitters: PubMed 23807571 (cited by Labcorp Genetics (formerly Invitae), Labcorp); PubMed 25614872 (cited by Labcorp Genetics (formerly Invitae), Labcorp); PubMed 9497252 (cited by 5 submitters); PubMed 9887333 (cited by 4 submitters); PubMed 17910737 (cited by 4 submitters); PubMed 23454770 (cited by 4 submitters); PubMed 3574400 (cited by Dasa); PubMed 27595995 (cited by Dasa); PubMed 15928302 (cited by Dasa); PubMed 10864201 (cited by 3 submitters); PubMed 12969974 (cited by Counsyl).